The following is an entry in ClinVar:

ClinVar aggregate classification (germline): Uncertain significance (1 of 4 stars; one submission).

Submission:

Labcorp Genetics (formerly Invitae), Labcorp
Classification: Uncertain significance. Last evaluated: 2022-10-19. Review status: criteria provided, single submitter. Criteria: Invitae Variant Classification Sherloc (09022015). Collection method: clinical testing. Allele origin: germline.
Comment: In summary, the available evidence is currently insufficient to determine the role of this variant in disease. Therefore, it has been classified as a Variant of Uncertain Significance. Algorithms developed to predict the effect of missense changes on protein structure and function (SIFT, PolyPhen-2, Align-GVGD) all suggest that this variant is likely to be disruptive. This missense change has been observed in individual(s) with retinitis pigmentosa (Invitae). This variant is not present in population databases (gnomAD no frequency). This sequence change replaces glycine, which is neutral and non-polar, with arginine, which is basic and polar, at codon 88 of the RP1 protein (p.Gly88Arg).

NM_006269.2(RP1):c.262G>C (p.Gly88Arg)

Gene: RP1 (RP1 axonemal microtubule associated; plus strand). Cytogenetic location: 8q12.1.
Variant type: single nucleotide variant.
Coding change: c.262G>C on transcript NM_006269.2 (MANE Select); coding-DNA position 262, G replaced by C.
Protein change: p.Gly88Arg; replaces glycine 88 with arginine.
Molecular consequence: missense variant.
Genome position (GRCh38, 1-based): chr8:54,621,228, G>C. VCF-style: chr8-54621228-G-C. GRCh37 (hg19) VCF-style: chr8-55533788-G-C.
Other names: c.262G>C, p.Gly88Arg (NM_001375654.1); short protein forms G88R.
Identifiers: ClinVar variation 1721826 (VCV001721826.5), dbSNP rs2536556185, ClinGen allele CA370986089.